The following is an entry in ClinVar:

ClinVar aggregate classification (germline): Benign/Likely benign. Review status: criteria provided, multiple submitters, no conflicts (2 of 4 stars). 3 submissions from 3 submitters: Benign (2); Likely benign (1). Last evaluated 2026-09-01.

Allele frequency attached by ClinVar (database versions not stated): 1000 Genomes Project 0.00180; 1000 Genomes Project 30x 0.00203; TOPMed 0.00424; gnomAD exomes 0.00470 and 0.00617; gnomAD 0.00489 and 0.00496; ESP Exome Variant Server 0.00521; ExAC 0.00747.

Submissions (3):

CeGaT Center for Human Genetics Tuebingen
Classification: Likely benign. Last evaluated: 2026-09-01. Review status: criteria provided, single submitter. Criteria: CeGaT Center For Human Genetics Tuebingen Variant Classification Criteria Version 2. Collection method: clinical testing. Allele origin: germline. Affected: yes. Observed: 6 variant alleles.
Comment: SLC30A10: BP4, BS2

Labcorp Genetics (formerly Invitae), Labcorp
Classification: Benign. Last evaluated: 2026-01-21. Review status: criteria provided, single submitter. Criteria: Invitae Variant Classification Sherloc (09022015). Collection method: clinical testing. Allele origin: germline.

Breakthrough Genomics
Classification: Benign. Review status: criteria provided, single submitter. Criteria: ACMG Guidelines, 2015. Collection method: not provided. Allele origin: germline. Inheritance: Autosomal recessive inheritance. Affected: yes.

NM_018713.3(SLC30A10):c.640+16A>G

Gene: SLC30A10 (solute carrier family 30 member 10; minus strand). Cytogenetic location: 1q41.
Variant type: single nucleotide variant.
Coding change: c.640+16A>G on transcript NM_018713.3 (MANE Select); 16 bases into the intron after coding-DNA position 640, A replaced by G.
Molecular consequence: intron variant.
Genome position (GRCh38, 1-based): chr1:219,927,785, T>C on the plus strand (A>G on the coding strand, the complement: SLC30A10 is on the minus strand). VCF-style: chr1-219927785-T-C. GRCh37 (hg19) VCF-style: chr1-220101127-T-C.
Other names: c.452-680A>G (NM_001376929.1).
Identifiers: ClinVar variation 1167015 (VCV001167015.11), dbSNP rs185021781, ClinGen allele CA1399292.